The following is an entry in ClinVar:

ClinVar aggregate classification (germline): Uncertain significance (1 of 4 stars; one submission).

Submission:

Labcorp Genetics (formerly Invitae), Labcorp
Classification: Uncertain significance. Last evaluated: 2025-06-04. Review status: criteria provided, single submitter. Criteria: Invitae Variant Classification Sherloc (09022015). Collection method: clinical testing. Allele origin: germline.
Comment: This sequence change replaces glutamic acid, which is acidic and polar, with aspartic acid, which is acidic and polar, at codon 55 of the CTNNB1 protein (p.Glu55Asp). This variant is not present in population databases (gnomAD no frequency). This variant has not been reported in the literature in individuals affected with CTNNB1-related conditions. An algorithm developed to predict the effect of missense changes on protein structure and function (PolyPhen-2) suggests that this variant is likely to be tolerated. In summary, the available evidence is currently insufficient to determine the role of this variant in disease. Therefore, it has been classified as a Variant of Uncertain Significance.

NM_001904.4(CTNNB1):c.165G>C (p.Glu55Asp)

Genes: CTNNB1 (catenin beta 1; plus strand), LOC126806658 (BRD4-independent group 4 enhancer GRCh37_chr3:41265899-41267098; plus strand). Cytogenetic location: 3p22.1.
Variant type: single nucleotide variant.
Coding change: c.165G>C on transcript NM_001904.4 (MANE Select); coding-DNA position 165, G replaced by C.
Protein change: p.Glu55Asp; replaces glutamic acid 55 with aspartic acid.
Molecular consequence: missense variant.
Genome position (GRCh38, 1-based): chr3:41,224,677, G>C. VCF-style: chr3-41224677-G-C. GRCh37 (hg19) VCF-style: chr3-41266168-G-C.
Other names: c.144G>C, p.Glu48Asp (NM_001330729.2); c.165G>C, p.Glu55Asp (NM_001438871.1, NM_001438872.1, NM_001438873.1 and 4 more transcripts); short protein forms E48D, E55D.
Identifiers: ClinVar variation 4720701 (VCV004720701.1).